The following is an entry in ClinVar:

GRCh38/hg38 13q12.3-13.1(chr13:30414074-31885934)x1

Genes: ALOX5AP (arachidonate 5-lipoxygenase activating protein; plus strand), B3GLCT (beta 3-glucosyltransferase; plus strand), HMGB1 (high mobility group box 1; minus strand), HSPH1 (heat shock protein family H (Hsp110) member 1; minus strand), LINC00398 (long intergenic non-protein coding RNA 398; plus strand) and 41 more. Cytogenetic location: 13q12.3-13.1.
Variant type: copy number loss.
Change: copy number 1 (one copy instead of two) of chr13:30,414,074-31,885,934 (1.47 Mb, GRCh38 coordinates, 1-based), cytogenetic band 13q12.3-13.1.
Identifiers: ClinVar variation 4796239 (VCV004796239.1).

ClinVar aggregate classification (germline): Uncertain significance (1 of 4 stars; one submission).

Submission:

Medical Genetic Center, Changzhi Maternal and Child Health Care Hospital
Classification: Uncertain significance. Last evaluated: 2025-12-10. Review status: criteria provided, single submitter. Criteria: ACMG/ClinGen CNV Guidelines, 2019. Collection method: clinical testing. Allele origin: unknown.
Comment: 1A(0)+3A(0): B3GLCT deletion carrier, ALOX5AP deletion